The following is an entry in ClinVar:

NM_173543.3(DZIP1L):c.1235-2A>G

Gene: DZIP1L (DAZ interacting zinc finger protein 1 like; minus strand). Cytogenetic location: 3q22.3.
Variant type: single nucleotide variant.
Coding change: c.1235-2A>G on transcript NM_173543.3 (MANE Select); the canonical splice acceptor site of the intron before coding-DNA position 1235, A replaced by G.
Molecular consequence: splice acceptor variant.
Genome position (GRCh38, 1-based): chr3:138,080,622, T>C on the plus strand (A>G on the coding strand, the complement: DZIP1L is on the minus strand). VCF-style: chr3-138080622-T-C. GRCh37 (hg19) VCF-style: chr3-137799464-T-C.
Other names: c.1235-2A>G (NM_001170538.1).
Identifiers: ClinVar variation 4775791 (VCV004775791.1).

ClinVar aggregate classification (germline): Likely pathogenic (1 of 4 stars; one submission).

Submission:

Labcorp Genetics (formerly Invitae), Labcorp
Classification: Likely pathogenic. Last evaluated: 2025-12-22. Review status: criteria provided, single submitter. Criteria: Invitae Variant Classification Sherloc (09022015). Collection method: clinical testing. Allele origin: germline.
Comment: This sequence change affects an acceptor splice site in intron 9 of the DZIP1L gene. It is expected to disrupt RNA splicing. Variants that disrupt the donor or acceptor splice site typically lead to a loss of protein function (PMID: 16199547), and loss-of-function variants in DZIP1L are known to be pathogenic (PMID: 28530676). This variant is not present in population databases (gnomAD no frequency). This variant has not been reported in the literature in individuals affected with DZIP1L-related conditions. Algorithms developed to predict the effect of sequence changes on RNA splicing suggest that this variant may disrupt the consensus splice site. In summary, the currently available evidence indicates that the variant is pathogenic, but additional data are needed to prove that conclusively. Therefore, this variant has been classified as Likely Pathogenic.

Literature cited by the submitters: PubMed 16199547; PubMed 28530676.